The following is an entry in ClinVar:

NM_015335.5(MED13L):c.3191dup (p.Thr1065fs)

Gene: MED13L (mediator complex subunit 13L; minus strand). Cytogenetic location: 12q24.21.
Variant type: Duplication.
Coding change: c.3191dup on transcript NM_015335.5 (MANE Select); coding-DNA position 3191, one base duplicated (G; older notation c.3191dupG).
Protein change: p.Thr1065fs; shifts the reading frame from threonine 1065.
Molecular consequence: frameshift variant.
Genome position (GRCh38, 1-based): chr12:115,991,763, C duplicated on the plus strand (G on the coding strand, the reverse complement: MED13L is on the minus strand); the first of 5 consecutive C bases (chr12:115,991,763-115,991,767); duplicating any one gives the same sequence. VCF-style (leftmost placement, unchanged base first): chr12-115991762-G-GC. GRCh37 (hg19) VCF-style: chr12-116429567-G-GC.
Other names: short protein forms T1065fs.
Identifiers: ClinVar variation 3778785 (VCV003778785.1).
Genomic context (GRCh38, chr12:115,991,762, plus strand): 5'-GGAGGCTGGTGATCCTTGATCGGTGCTATCATACTTAACAGACCCTTGACCACTGGCAGT[G>GC]CCCCCACCTCTGGGAGTTCTTGGGGTCCTGGGGGTTCGTGGTGTGGGGACAGAGAAGCGA-3'

ClinVar aggregate classification (germline): Pathogenic (1 of 4 stars; one submission).

Conditions:
Cardiac anomalies - developmental delay - facial dysmorphism syndrome (MRFACD). Also called: Impaired intellectual development and distinctive facial features with or without cardiac defects; MED13L Syndrome. Identifiers: Orphanet 369891, MedGen C5192431, MONDO:0014773, OMIM 616789.

Submission:

Daryl Scott Lab, Baylor College of Medicine
Classification: Pathogenic for Cardiac anomalies - developmental delay - facial dysmorphism syndrome. Last evaluated: 2024-04-01. Review status: criteria provided, single submitter. Criteria: ACMG Guidelines, 2015. Collection method: research. Allele origin: de novo. Affected: yes. Observed: 1 heterozygote.
Comment: PVS1, PS2, PM2